The following is an entry in ClinVar:

NM_001448.3(GPC4):c.1409TGA[3] (p.Met471_Thr472insMet)

Gene: GPC4 (glypican 4; minus strand). Cytogenetic location: Xq26.2.
Variant type: Microsatellite.
Coding change: c.1409TGA[3] on transcript NM_001448.3 (MANE Select); three copies in a row of the 3-base unit TGA starting at c.1409; the reference has two copies in a row; one copy, 3 bases duplicated.
Protein change: p.Met471_Thr472insMet.
Genome position (GRCh38, 1-based): chrX:133,303,220-133,303,222, TCA duplicated on the plus strand (TGA on the coding strand, the reverse complement: GPC4 is on the minus strand); duplicating any 3 consecutive bases within chrX:133,303,220-133,303,225 gives the same sequence; the position shown is the placement nearest the transcript's 3' end. VCF-style (leftmost placement, unchanged base first): chrX-133303219-G-GTCA. GRCh37 (hg19) VCF-style: chrX-132437247-G-GTCA.
Identifiers: ClinVar variation 3901328 (VCV003901328.1).

ClinVar aggregate classification (germline): Uncertain significance (1 of 4 stars; one submission).

Submission:

GeneDx
Classification: Uncertain significance. Last evaluated: 2024-12-04. Review status: criteria provided, single submitter. Criteria: GeneDx Variant Classification Process June 2021. Collection method: clinical testing. Allele origin: germline. Affected: yes.
Comment: Not observed at significant frequency in large population cohorts (gnomAD); Has not been previously published as pathogenic or benign to our knowledge; In-frame duplication of 1 amino acid in a non-repeat region